The following is an entry in ClinVar:

NM_001605.3(AARS1):c.2070T>G (p.Tyr690Ter)

Gene: AARS1 (alanyl-tRNA synthetase 1; minus strand). Cytogenetic location: 16q22.1.
Variant type: single nucleotide variant.
Coding change: c.2070T>G on transcript NM_001605.3 (MANE Select); coding-DNA position 2070, T replaced by G.
Protein change: p.Tyr690Ter; replaces tyrosine 690 with a stop codon.
Molecular consequence: nonsense.
Genome position (GRCh38, 1-based): chr16:70,258,140, A>C on the plus strand (T>G on the coding strand, the complement: AARS1 is on the minus strand). VCF-style: chr16-70258140-A-C. GRCh37 (hg19) VCF-style: chr16-70292043-A-C.
Other names: short protein forms Y690*.
Identifiers: ClinVar variation 2757313 (VCV002757313.3), dbSNP rs754266971, ClinGen allele CA396557712.

ClinVar aggregate classification (germline): Pathogenic (1 of 4 stars; one submission).

Conditions:
Charcot-Marie-Tooth disease type 2. Also called: Charcot-Marie-Tooth type 2. Identifiers: Orphanet 64746, MedGen C0270914, MONDO:0018993.

Submission:

Labcorp Genetics (formerly Invitae), Labcorp
Classification: Pathogenic for Charcot-Marie-Tooth disease type 2. Last evaluated: 2024-12-02. Review status: criteria provided, single submitter. Criteria: Invitae Variant Classification Sherloc (09022015). Collection method: clinical testing. Allele origin: germline.
Comment: This sequence change creates a premature translational stop signal (p.Tyr690*) in the AARS gene. It is expected to result in an absent or disrupted protein product. Loss-of-function variants in AARS are known to be pathogenic (PMID: 25817015, 28493438, 34446925). This variant is not present in population databases (gnomAD no frequency). This variant has not been reported in the literature in individuals affected with AARS-related conditions. ClinVar contains an entry for this variant (Variation ID: 2757313). Algorithms developed to predict the effect of sequence changes on RNA splicing suggest that this variant may disrupt the consensus splice site. For these reasons, this variant has been classified as Pathogenic.

Literature cited by the submitters: PubMed 25817015; PubMed 28493438; PubMed 34446925.